The following is an entry in ClinVar:

ClinVar aggregate classification (germline): Uncertain significance (1 of 4 stars; one submission).

Conditions:
Ellis-van Creveld syndrome (EVC). Also called: EVC-Related Ellis-van Creveld Syndrome; EVC2-Related Ellis-van Creveld Syndrome; Chondroectodermal dysplasia; MESOECTODERMAL DYSPLASIA. Identifiers: Orphanet 289, MedGen C0013903, MONDO:0009162, OMIM 225500.
Curry-Hall syndrome (WAD). Also called: WEYERS ACRODENTAL DYSOSTOSIS. Identifiers: Orphanet 952, MedGen C0457013, MONDO:0008673, OMIM 193530.

Submission:

Labcorp Genetics (formerly Invitae), Labcorp
Classification: Uncertain significance for Curry-Hall syndrome; Ellis-van Creveld syndrome. Last evaluated: 2022-10-25. Review status: criteria provided, single submitter. Criteria: Invitae Variant Classification Sherloc (09022015). Collection method: clinical testing. Allele origin: germline.
Comment: In summary, the available evidence is currently insufficient to determine the role of this variant in disease. Therefore, it has been classified as a Variant of Uncertain Significance. Algorithms developed to predict the effect of missense changes on protein structure and function output the following: SIFT: "Tolerated"; PolyPhen-2: "Benign"; Align-GVGD: "Class C0". The threonine amino acid residue is found in multiple mammalian species, which suggests that this missense change does not adversely affect protein function. This variant has not been reported in the literature in individuals affected with EVC2-related conditions. This variant is not present in population databases (gnomAD no frequency). This sequence change replaces serine, which is neutral and polar, with threonine, which is neutral and polar, at codon 282 of the EVC2 protein (p.Ser282Thr).

NM_147127.5(EVC2):c.844T>A (p.Ser282Thr)

Gene: EVC2 (EvC ciliary complex subunit 2; minus strand). Cytogenetic location: 4p16.2.
Variant type: single nucleotide variant.
Coding change: c.844T>A on transcript NM_147127.5 (MANE Select); coding-DNA position 844, T replaced by A.
Protein change: p.Ser282Thr; replaces serine 282 with threonine.
Molecular consequence: missense variant.
Genome position (GRCh38, 1-based): chr4:5,681,286, A>T on the plus strand (T>A on the coding strand, the complement: EVC2 is on the minus strand). VCF-style: chr4-5681286-A-T. GRCh37 (hg19) VCF-style: chr4-5683013-A-T.
Other names: c.604T>A, p.Ser202Thr (NM_001166136.2); short protein forms S282T, S202T.
Identifiers: ClinVar variation 2124366 (VCV002124366.4), dbSNP rs1459416733, ClinGen allele CA356145766.
Genomic context (GRCh38, chr4:5,681,286, plus strand): 5'-CCTGAGGGTGCTCAGGGCATGTCATGTCTCTTACCGTTACGTTTTCTTCTGCTGTTATGG[A>T]AAAAAGCACTTTCAGCTGTGTTCTGTTCTAGAAAAGGAAAAAAGAAAACACTTTCAGCAA-3'
Protein context (NP_667338.3, residues 272-292): RNRTQLKVLF[Ser282Thr]ITAEENVTVL